The following is an entry in ClinVar:

ClinVar aggregate classification (germline): Uncertain significance (1 of 4 stars; one submission).

Submission:

CeGaT Center for Human Genetics Tuebingen
Classification: Uncertain significance. Last evaluated: 2024-03-01. Review status: criteria provided, single submitter. Criteria: CeGaT Center For Human Genetics Tuebingen Variant Classification Criteria Version 2. Collection method: clinical testing. Allele origin: germline. Affected: yes. Observed: 1 variant allele.
Comment: COL9A3: PM2, PP3

NM_001853.4(COL9A3):c.40C>G (p.Leu14Val)

Gene: COL9A3 (collagen type IX alpha 3 chain; plus strand). Cytogenetic location: 20q13.33.
Variant type: single nucleotide variant.
Coding change: c.40C>G on transcript NM_001853.4 (MANE Select); coding-DNA position 40, C replaced by G.
Protein change: p.Leu14Val; replaces leucine 14 with valine.
Molecular consequence: missense variant.
Genome position (GRCh38, 1-based): chr20:62,817,104, C>G. VCF-style: chr20-62817104-C-G. GRCh37 (hg19) VCF-style: chr20-61448456-C-G.
Other names: short protein forms L14V.
Identifiers: ClinVar variation 3067632 (VCV003067632.21), dbSNP rs1169089135, ClinGen allele CA409586812.